The following is an entry in ClinVar:

ClinVar aggregate classification (germline): Uncertain significance (1 of 4 stars; one submission).

Conditions:
Epidermolysis bullosa simplex with nail dystrophy (EBS5D). Identifiers: MedGen C4225309, MONDO:0014661, OMIM 616487.
Epidermolysis bullosa simplex 5B, with muscular dystrophy (EBS5B). Also called: EPIDERMOLYSIS BULLOSA SIMPLEX AND LIMB-GIRDLE MUSCULAR DYSTROPHY; Epidermolysis bullosa simplex with muscular dystrophy. Identifiers: Orphanet 257, MedGen C2931072, MONDO:0009181, OMIM 226670.
Epidermolysis bullosa simplex 5C, with pyloric atresia (EBS5C). Also called: PLEC-Related Epidermolysis Bullosa with Pyloric Atresia; Epidermolysis bullosa simplex with pyloric atresia; PLEC1-Related Epidermolysis Bullosa with Pyloric Atresia. Identifiers: Orphanet 158684, MedGen C2677349, MONDO:0012807, OMIM 612138.
Autosomal recessive limb-girdle muscular dystrophy type 2Q (LGMDR17). Also called: MUSCULAR DYSTROPHY, LIMB-GIRDLE, AUTOSOMAL RECESSIVE 17. Identifiers: Orphanet 254361, MedGen C3150989, MONDO:0013390, OMIM 613723.
Epidermolysis bullosa simplex, Ogna type (EBS5A). Also called: Pidermolysis bullosa simplex 5A, Ogna type; EPIDERMOLYSIS BULLOSA SIMPLEX 5A, OGNA TYPE. Identifiers: Orphanet 79401, MedGen C0432317, MONDO:0007555, OMIM 131950.

gnomAD v4.1: 3 of 1,613,868 alleles (0.00019%); highest among the groups gnomAD compares: Non-Finnish European, 0.00025%; no homozygotes.

Submission:

Labcorp Genetics (formerly Invitae), Labcorp
Classification: Uncertain significance for Autosomal recessive limb-girdle muscular dystrophy type 2Q; Epidermolysis bullosa simplex, Ogna type; Epidermolysis bullosa simplex with nail dystrophy; Epidermolysis bullosa simplex 5C, with pyloric atresia; Epidermolysis bullosa simplex 5B, with muscular dystrophy. Last evaluated: 2023-11-03. Review status: criteria provided, single submitter. Criteria: Invitae Variant Classification Sherloc (09022015). Collection method: clinical testing. Allele origin: germline.
Comment: This sequence change replaces aspartic acid, which is acidic and polar, with histidine, which is basic and polar, at codon 3534 of the PLEC protein (p.Asp3534His). This variant is present in population databases (no rsID available, gnomAD 0.0009%). This variant has not been reported in the literature in individuals affected with PLEC-related conditions. Advanced modeling of protein sequence and biophysical properties (such as structural, functional, and spatial information, amino acid conservation, physicochemical variation, residue mobility, and thermodynamic stability) performed at Invitae indicates that this missense variant is not expected to disrupt PLEC protein function with a negative predictive value of 80%. In summary, the available evidence is currently insufficient to determine the role of this variant in disease. Therefore, it has been classified as a Variant of Uncertain Significance.

NM_201384.3(PLEC):c.10519G>C (p.Asp3507His)

Gene: PLEC (plectin; minus strand). Cytogenetic location: 8q24.3.
Variant type: single nucleotide variant.
Coding change: c.10519G>C on transcript NM_201384.3 (MANE Select); coding-DNA position 10519, G replaced by C.
Protein change: p.Asp3507His; replaces aspartic acid 3507 with histidine.
Molecular consequence: missense variant.
Genome position (GRCh38, 1-based): chr8:143,919,302, C>G on the plus strand (G>C on the coding strand, the complement: PLEC is on the minus strand). VCF-style: chr8-143919302-C-G. GRCh37 (hg19) VCF-style: chr8-144993470-C-G.
Other names: c.10600G>C, p.Asp3534His (NM_000445.5); c.7219G>C, p.Asp2407His (NM_001410941.1); c.10477G>C, p.Asp3493His (NM_201378.4); c.10453G>C, p.Asp3485His (NM_201379.3); c.10930G>C, p.Asp3644His (NM_201380.4); c.10423G>C, p.Asp3475His (NM_201381.3); c.10519G>C, p.Asp3507His (NM_201382.4); c.10531G>C, p.Asp3511His (NM_201383.3); short protein forms D3507H, D2407H, D3511H, D3534H, D3644H, D3475H, D3493H, D3485H.
Identifiers: ClinVar variation 2927647 (VCV002927647.3), dbSNP rs200293573, ClinGen allele CA372498145.